The following is an entry in ClinVar:

NM_177438.3(DICER1):c.1021C>T (p.His341Tyr)

Gene: DICER1 (dicer 1, ribonuclease III; minus strand). Cytogenetic location: 14q32.13.
Variant type: single nucleotide variant.
Coding change: c.1021C>T on transcript NM_177438.3 (MANE Select); coding-DNA position 1021, C replaced by T.
Protein change: p.His341Tyr; replaces histidine 341 with tyrosine.
Molecular consequence: missense variant. On other transcripts: 5 prime UTR variant (1), non-coding transcript variant (6).
Genome position (GRCh38, 1-based): chr14:95,124,551, G>A on the plus strand (C>T on the coding strand, the complement: DICER1 is on the minus strand). VCF-style: chr14-95124551-G-A. GRCh37 (hg19) VCF-style: chr14-95590888-G-A.
Other names: c.739C>T, p.His247Tyr (NM_001395686.1); c.616C>T, p.His206Tyr (NM_001395687.1, NM_001395688.1, NM_001395689.1 and 3 more transcripts); c.454C>T, p.His152Tyr (NM_001395691.1); c.1021C>T, p.His341Tyr (NM_001395692.1, NM_001395693.1, NM_001395694.1 and 15 more transcripts); c.-548C>T (NM_001395697.1); short protein forms H152Y, H206Y, H341Y, H247Y.
Identifiers: ClinVar variation 2451725 (VCV002451725.5), dbSNP rs2543183747, ClinGen allele CA390887143.

ClinVar aggregate classification (germline): Uncertain significance. Review status: criteria provided, multiple submitters, no conflicts (2 of 4 stars). 2 submissions from 2 submitters: Uncertain significance (2). Last evaluated 2024-01-18.

Conditions:
Hereditary cancer-predisposing syndrome. Also called: Hereditary neoplastic syndrome; Tumor predisposition; Neoplastic Syndromes, Hereditary; Hereditary Cancer Syndrome. Identifiers: Orphanet 140162, MedGen C0027672, MeSH D009386, MONDO:0015356.
DICER1-related tumor predisposition. Also called: DICER1 syndrome; DICER1-related pleuropulmonary blastoma cancer predisposition syndrome. Identifiers: Orphanet 284343, MedGen C3839822, MONDO:0100216.

Allele frequency attached by ClinVar (database versions not stated): gnomAD exomes below 0.00001.
gnomAD v4.1: 2 of 1,613,856 alleles (0.00012%); highest among the groups gnomAD compares: African/African-American, 0.0027%; no homozygotes.

Submissions (2):

Labcorp Genetics (formerly Invitae), Labcorp
Classification: Uncertain significance for DICER1-related tumor predisposition. Last evaluated: 2024-01-18. Review status: criteria provided, single submitter. Criteria: Invitae Variant Classification Sherloc (09022015). Collection method: clinical testing. Allele origin: germline.
Comment: This sequence change replaces histidine, which is basic and polar, with tyrosine, which is neutral and polar, at codon 341 of the DICER1 protein (p.His341Tyr). This variant is not present in population databases (gnomAD no frequency). This variant has not been reported in the literature in individuals affected with DICER1-related conditions. ClinVar contains an entry for this variant (Variation ID: 2451725). Advanced modeling of protein sequence and biophysical properties (such as structural, functional, and spatial information, amino acid conservation, physicochemical variation, residue mobility, and thermodynamic stability) performed at Invitae indicates that this missense variant is not expected to disrupt DICER1 protein function with a negative predictive value of 80%. In summary, the available evidence is currently insufficient to determine the role of this variant in disease. Therefore, it has been classified as a Variant of Uncertain Significance.

Ambry Genetics
Classification: Uncertain significance for Hereditary cancer-predisposing syndrome. Last evaluated: 2023-02-17. Review status: criteria provided, single submitter. Criteria: Ambry Variant Classification Scheme 2023. Collection method: clinical testing. Allele origin: germline.
Comment: The p.H341Y variant (also known as c.1021C>T), located in coding exon 7 of the DICER1 gene, results from a C to T substitution at nucleotide position 1021. The histidine at codon 341 is replaced by tyrosine, an amino acid with similar properties. This amino acid position is well conserved in available vertebrate species. In addition, this alteration is predicted to be tolerated by in silico analysis. Since supporting evidence is limited at this time, the clinical significance of this alteration remains unclear.